The following is an entry in ClinVar:

NM_000052.7(ATP7A):c.4360G>C (p.Asp1454His)

Gene: ATP7A (ATPase copper transporting alpha; plus strand). Cytogenetic location: Xq21.1.
Variant type: single nucleotide variant.
Coding change: c.4360G>C on transcript NM_000052.7 (MANE Select); coding-DNA position 4360, G replaced by C.
Protein change: p.Asp1454His; replaces aspartic acid 1454 with histidine.
Molecular consequence: missense variant. On other transcripts: non-coding transcript variant (1).
Genome position (GRCh38, 1-based): chrX:78,046,427, G>C. VCF-style: chrX-78046427-G-C. GRCh37 (hg19) VCF-style: chrX-77301924-G-C.
Other names: c.4126G>C, p.Asp1376His (NM_001282224.2); short protein forms D1376H, D1454H.
Identifiers: ClinVar variation 4788926 (VCV004788926.1).
Genomic context (GRCh38, chrX:78,046,427, plus strand): 5'-ATCAGCGTTCATGTTGGAATAGATGATACCTCAAGGAATTCTCCTAAACTGGGTTTGCTG[G>C]ACCGGATTGTTAATTATAGCAGAGCCTCTATAAACTCACTACTGTCTGATAAACGCTCCC-3'
Protein context (NP_000043.4, residues 1444-1464): SRNSPKLGLL[Asp1454His]RIVNYSRASI

ClinVar aggregate classification (germline): Uncertain significance (1 of 4 stars; one submission).

Conditions:
Menkes kinky-hair syndrome (MNK). Also called: Menkes Disease; Copper transport disease; Classic Menkes Disease. Identifiers: Orphanet 565, MedGen C0022716, MONDO:0010651, OMIM 309400.
Cutis laxa, X-linked (OHS). Also called: EDS IX; Occipital horn syndrome. Identifiers: Orphanet 198, MedGen C0268353, MONDO:0010572, OMIM 304150.
X-linked distal spinal muscular atrophy type 3. Also called: ATP7A-Related Distal Motor Neuropathy; SPINAL MUSCULAR ATROPHY, DISTAL, X-LINKED RECESSIVE; NEURONOPATHY, DISTAL HEREDITARY MOTOR, X-LINKED; NEUROPATHY, DISTAL HEREDITARY MOTOR, X-LINKED. Identifiers: Orphanet 139557, MedGen C1845359, MONDO:0010338, OMIM 300489.

gnomAD v4.1: 5 of 1,209,612 alleles (0.00041%); highest among the groups gnomAD compares: South Asian, 0.0088%; no homozygotes.

Submission:

Labcorp Genetics (formerly Invitae), Labcorp
Classification: Uncertain significance for X-linked distal spinal muscular atrophy type 3; Cutis laxa, X-linked; Menkes kinky-hair syndrome. Last evaluated: 2025-09-03. Review status: criteria provided, single submitter. Criteria: Invitae Variant Classification Sherloc (09022015). Collection method: clinical testing. Allele origin: germline.
Comment: This sequence change replaces aspartic acid, which is acidic and polar, with histidine, which is basic and polar, at codon 1454 of the ATP7A protein (p.Asp1454His). This variant is not present in population databases (gnomAD no frequency). This variant has not been reported in the literature in individuals affected with ATP7A-related conditions. Invitae Evidence Modeling of protein sequence and biophysical properties (such as structural, functional, and spatial information, amino acid conservation, physicochemical variation, residue mobility, and thermodynamic stability) indicates that this missense variant is not expected to disrupt ATP7A protein function with a negative predictive value of 95%. In summary, the available evidence is currently insufficient to determine the role of this variant in disease. Therefore, it has been classified as a Variant of Uncertain Significance.